The following is an entry in ClinVar:

ClinVar aggregate classification (germline): Pathogenic (1 of 4 stars; one submission).

Conditions:
Polyglandular autoimmune syndrome, type 1 (APS1). Also called: AUTOIMMUNE POLYENDOCRINE SYNDROME, TYPE I, WITH OR WITHOUT REVERSIBLE METAPHYSEAL DYSPLASIA; APS I; HYPOADRENOCORTICISM WITH HYPOPARATHYROIDISM AND SUPERFICIAL MONILIASIS; PGA I; Autoimmune polyendocrine syndrome type 1; Whitaker syndrome. Identifiers: Orphanet 3453, MedGen C0085859, MONDO:0009411, OMIM 240300.

Submission:

Myriad Genetics, Inc.
Classification: Pathogenic for Polyglandular autoimmune syndrome, type 1. Last evaluated: 2025-11-07. Review status: criteria provided, single submitter. Criteria: Myriad Autosomal Dominant, Autosomal Recessive and X-Linked Classification Criteria (2023). Collection method: clinical testing. Allele origin: unknown.
Comment: NM_000383.3(AIRE):c.872_877del6ins4(L291Hfs*5) is expected to be pathogenic in the context of autoimmune polyglandular syndrome type 1. This variant is predicted to lead to an abnormal or absent protein product due to the creation of a premature termination codon in AIRE, a gene where loss-of-function variants are known to be pathogenic. Please note: this variant was assessed in the context of healthy population screening.

NM_000383.4(AIRE):c.872_877delinsACCA (p.Leu291fs)

Gene: AIRE (autoimmune regulator; plus strand). Cytogenetic location: 21q22.3.
Variant type: Indel.
Coding change: c.872_877delinsACCA on transcript NM_000383.4 (MANE Select); coding-DNA positions 872 to 877, TCCACC replaced by ACCA.
Protein change: p.Leu291fs; shifts the reading frame from leucine 291.
Molecular consequence: frameshift variant.
Genome position (GRCh38, 1-based): chr21:44,290,061-44,290,066, TCCACC replaced by ACCA. VCF-style: chr21-44290061-TCCACC-ACCA. GRCh37 (hg19) VCF-style: chr21-45709944-TCCACC-ACCA.
Other names: short protein forms L291fs.
Identifiers: ClinVar variation 5015180 (VCV005015180.1).